The following is an entry in ClinVar:

ClinVar aggregate classification (germline): Pathogenic (1 of 4 stars; one submission).

Conditions:
Hereditary breast ovarian cancer syndrome. Also called: Hereditary breast and ovarian cancer; Hereditary breast and/or ovarian cancer syndrome; Hereditary breast and ovarian cancer syndrome; Hereditary breast and ovarian cancer syndrome (HBOC); BRCA1- and BRCA2-Associated Hereditary Breast and Ovarian Cancer; Breast and ovarian cancer. Identifiers: Orphanet 145, MedGen C0677776, MeSH D061325, MONDO:0003582. Disease mechanism: loss of function.

Submission:

Labcorp Genetics (formerly Invitae), Labcorp
Classification: Pathogenic for Hereditary breast ovarian cancer syndrome. Last evaluated: 2019-05-01. Review status: criteria provided, single submitter. Criteria: Invitae Variant Classification Sherloc (09022015). Collection method: clinical testing. Allele origin: germline.
Comment: This sequence change creates a premature translational stop signal (p.Asn824Metfs*22) in the BRCA1 gene. It is expected to result in an absent or disrupted protein product. This variant is not present in population databases (ExAC no frequency). This variant has not been reported in the literature in individuals with BRCA1-related conditions. Loss-of-function variants in BRCA1 are known to be pathogenic (PMID: 20104584). For these reasons, this variant has been classified as Pathogenic.

Literature cited by the submitters: PubMed 20104584.

NM_007294.4(BRCA1):c.2471del (p.Asn824fs)

Gene: BRCA1 (BRCA1 DNA repair associated; minus strand). Cytogenetic location: 17q21.31.
Variant type: Deletion.
Coding change: c.2471del on transcript NM_007294.4 (MANE Select); coding-DNA position 2471, one base deleted (A; older notation c.2471delA).
Protein change: p.Asn824fs; shifts the reading frame from asparagine 824.
Molecular consequence: frameshift variant. On other transcripts: intron variant (137).
Genome position (GRCh38, 1-based): chr17:43,093,060, T deleted on the plus strand (A on the coding strand, the reverse complement: BRCA1 is on the minus strand); the first of 3 consecutive T bases (chr17:43,093,060-43,093,062); deleting any one gives the same sequence. VCF-style (leftmost placement, unchanged base first): chr17-43093059-AT-A. GRCh37 (hg19) VCF-style: chr17-41245076-AT-A.
Other names: c.2327del, p.Asn776fs (NM_001407838.1, NM_001407839.1, NM_001407841.1 and 20 more transcripts); c.2471del, p.Asn824fs (NM_001407858.1, NM_001407859.1, NM_001407854.1 and 30 more transcripts); c.2468del, p.Asn823fs (NM_001407860.1, NM_001407861.1, NM_001407587.1 and 22 more transcripts); c.2270del, p.Asn757fs (NM_001407862.1); c.2348del, p.Asn783fs (NM_001407863.1, NM_001407648.1, NM_001407664.1 and 19 more transcripts); c.2267del, p.Asn756fs (NM_001407874.1, NM_001407875.1); c.2261del, p.Asn754fs (NM_001407879.1, NM_001407881.1, NM_001407882.1 and 13 more transcripts); c.2330del, p.Asn777fs (NM_001407850.1, NM_001407851.1, NM_001407852.1 and 29 more transcripts); and 42 more; short protein forms N777fs, N824fs, N528fs, N697fs, N735fs, N798fs, N823fs, N712fs.
Identifiers: ClinVar variation 951341 (VCV000951341.9), dbSNP rs1567795563, ClinGen allele CA1139664776.